The following is an entry in ClinVar:

ClinVar aggregate classification (germline): Likely benign (0 of 4 stars; one submission).

Conditions:
CSMD1-related disorder. Also called: CSMD1-related condition.

Allele frequency attached by ClinVar (database versions not stated): ESP Exome Variant Server 0.00008; ExAC 0.00009; gnomAD 0.00015.
gnomAD v4.1: 362 of 1,578,176 alleles (0.023%); highest among the groups gnomAD compares: Non-Finnish European, 0.028%; no homozygotes.

Submission:

PreventionGenetics, part of Exact Sciences
Classification: Likely benign for CSMD1-related condition. Last evaluated: 2019-04-02. Review status: no assertion criteria provided. Collection method: clinical testing. Allele origin: germline.
Comment: This variant is classified as likely benign based on ACMG/AMP sequence variant interpretation guidelines (Richards et al. 2015 PMID: 25741868, with internal and published modifications).

NM_033225.6(CSMD1):c.1561+5G>C

Gene: CSMD1 (CUB and Sushi multiple domains 1; minus strand). Cytogenetic location: 8p23.2.
Variant type: single nucleotide variant.
Coding change: c.1561+5G>C on transcript NM_033225.6 (MANE Select); 5 bases into the intron after coding-DNA position 1561, G replaced by C.
Molecular consequence: intron variant.
Genome position (GRCh38, 1-based): chr8:3,468,707, C>G on the plus strand (G>C on the coding strand, the complement: CSMD1 is on the minus strand). VCF-style: chr8-3468707-C-G. GRCh37 (hg19) VCF-style: chr8-3326229-C-G.
Identifiers: ClinVar variation 3058689 (VCV003058689.2), dbSNP rs368025078, ClinGen allele CA4608794.